The following is an entry in ClinVar:

ClinVar aggregate classification (germline): Uncertain significance (1 of 4 stars; one submission).

Submission:

GeneDx
Classification: Uncertain significance. Last evaluated: 2024-12-04. Review status: criteria provided, single submitter. Criteria: GeneDx Variant Classification Process June 2021. Collection method: clinical testing. Allele origin: germline. Affected: yes.
Comment: Not observed at significant frequency in large population cohorts (gnomAD); In-frame deletion of 1 amino acid(s) in a non-repeat region; In silico analysis indicates that this variant does not alter protein structure/function; Has not been previously published as pathogenic or benign to our knowledge

NM_032578.4(MYPN):c.2380CCA[2] (p.Pro796del)

Gene: MYPN (myopalladin; plus strand). Cytogenetic location: 10q21.3.
Variant type: Microsatellite.
Coding change: c.2380CCA[2] on transcript NM_032578.4 (MANE Select); two copies in a row of the 3-base unit CCA starting at c.2380; the reference has three copies in a row; one copy, 3 bases deleted; also written c.2386_2388del.
Protein change: p.Pro796del; deletes proline 796.
Molecular consequence: inframe indel (on NM_032578.3). On other transcripts: non-coding transcript variant (2).
Genome position (GRCh38, 1-based): chr10:68,174,478-68,174,480, CCA deleted; deleting any 3 consecutive bases within chr10:68,174,470-68,174,480 gives the same sequence; the position shown is the placement nearest the transcript's 3' end. VCF-style (leftmost placement, unchanged base first): chr10-68174469-ACAC-A. GRCh37 (hg19) VCF-style: chr10-69934226-ACAC-A.
Other names: c.2380CCA[2], p.Pro796del (NM_001256267.2); c.1498CCA[2], p.Pro502del (NM_001256268.2); c.2380_2382CCA[2], p.Pro796del (NM_032578.3); c.2386_2388del (NM_032578.3); short protein forms P502del, P796del.
Identifiers: ClinVar variation 3901582 (VCV003901582.1).